The following is an entry in ClinVar:

ClinVar aggregate classification (germline): Uncertain significance (1 of 4 stars; one submission).

Conditions:
Spastic paraplegia. Identifiers: MedGen C0037772, HP:0001258.

Allele frequency attached by ClinVar (database versions not stated): gnomAD exomes below 0.00001; TOPMed 0.00002.
gnomAD v4.1: 1 of 1,611,610 alleles (0.000062%); highest among the groups gnomAD compares: Non-Finnish European, 0.000085%; no homozygotes.

Submission:

Labcorp Genetics (formerly Invitae), Labcorp
Classification: Uncertain significance for Spastic paraplegia. Last evaluated: 2024-10-15. Review status: criteria provided, single submitter. Criteria: Invitae Variant Classification Sherloc (09022015). Collection method: clinical testing. Allele origin: germline.
Comment: This sequence change replaces valine, which is neutral and non-polar, with methionine, which is neutral and non-polar, at codon 37 of the GJC2 protein (p.Val37Met). The frequency data for this variant in the population databases is considered unreliable, as metrics indicate poor data quality at this position in the gnomAD database. This variant has not been reported in the literature in individuals affected with GJC2-related conditions. ClinVar contains an entry for this variant (Variation ID: 1430617). Invitae Evidence Modeling of protein sequence and biophysical properties (such as structural, functional, and spatial information, amino acid conservation, physicochemical variation, residue mobility, and thermodynamic stability) has been performed for this missense variant. However, the output from this modeling did not meet the statistical confidence thresholds required to predict the impact of this variant on GJC2 protein function. In summary, the available evidence is currently insufficient to determine the role of this variant in disease. Therefore, it has been classified as a Variant of Uncertain Significance.

NM_020435.4(GJC2):c.109G>A (p.Val37Met)

Gene: GJC2 (gap junction protein gamma 2; plus strand). Cytogenetic location: 1q42.13.
Variant type: single nucleotide variant.
Coding change: c.109G>A on transcript NM_020435.4 (MANE Select); coding-DNA position 109, G replaced by A.
Protein change: p.Val37Met; replaces valine 37 with methionine.
Molecular consequence: missense variant.
Genome position (GRCh38, 1-based): chr1:228,157,867, G>A. VCF-style: chr1-228157867-G-A. GRCh37 (hg19) VCF-style: chr1-228345568-G-A.
Other names: short protein forms V37M.
Identifiers: ClinVar variation 1430617 (VCV001430617.8), dbSNP rs886783252, ClinGen allele CA38727251.